The following is an entry in ClinVar:

NM_000180.4(GUCY2D):c.576C>A (p.Asp192Glu)

Gene: GUCY2D (guanylate cyclase 2D, retinal; plus strand). Cytogenetic location: 17p13.1.
Variant type: single nucleotide variant.
Coding change: c.576C>A on transcript NM_000180.4 (MANE Select); coding-DNA position 576, C replaced by A.
Protein change: p.Asp192Glu; replaces aspartic acid 192 with glutamic acid.
Molecular consequence: missense variant.
Genome position (GRCh38, 1-based): chr17:8,003,623, C>A. VCF-style: chr17-8003623-C-A. GRCh37 (hg19) VCF-style: chr17-7906941-C-A.
Other names: short protein forms D192E.
Identifiers: ClinVar variation 861793 (VCV000861793.11), dbSNP rs528169554, ClinGen allele CA8365514.

ClinVar aggregate classification (germline): Uncertain significance. Review status: criteria provided, multiple submitters, no conflicts (2 of 4 stars). 3 submissions from 3 submitters: Uncertain significance (3). Last evaluated 2025-10-18.

Conditions:
Cone-rod dystrophy 6 (CORD6). Also called: RETINAL CONE DYSTROPHY 2; Cone dystrophy progressive. Identifiers: Orphanet 1872, MedGen C1866293, MONDO:0011143, OMIM 601777.
Leber congenital amaurosis 1 (LCA1). Also called: Congenital absence of the rods and cones; Leber's congenital tapetoretinal degeneration; Leber's congenital tapetoretinal dysplasia; RETINAL BLINDNESS, CONGENITAL; AMAUROSIS CONGENITA OF LEBER I. Identifiers: Orphanet 65, MedGen C2931258, MONDO:0008764, OMIM 204000.
Inborn genetic diseases. Identifiers: MedGen C0950123, MeSH D030342.

Allele frequency attached by ClinVar (database versions not stated): ExAC 0.00001; gnomAD 0.00002; gnomAD exomes 0.00002; TOPMed 0.00002; 1000 Genomes Project 0.00020; 1000 Genomes Project 30x 0.00031.

Submissions (3):

Ambry Genetics
Classification: Uncertain significance for Inborn genetic diseases. Last evaluated: 2025-10-18. Review status: criteria provided, single submitter. Criteria: Ambry Variant Classification Scheme 2023. Collection method: clinical testing. Allele origin: germline.

Labcorp Genetics (formerly Invitae), Labcorp
Classification: Uncertain significance for Leber congenital amaurosis 1; Cone-rod dystrophy 6. Last evaluated: 2025-01-23. Review status: criteria provided, single submitter. Criteria: Invitae Variant Classification Sherloc (09022015). Collection method: clinical testing. Allele origin: germline.
Comment: This sequence change replaces aspartic acid, which is acidic and polar, with glutamic acid, which is acidic and polar, at codon 192 of the GUCY2D protein (p.Asp192Glu). This variant is present in population databases (rs528169554, gnomAD 0.03%). This variant has not been reported in the literature in individuals affected with GUCY2D-related conditions. ClinVar contains an entry for this variant (Variation ID: 861793). Invitae Evidence Modeling of protein sequence and biophysical properties (such as structural, functional, and spatial information, amino acid conservation, physicochemical variation, residue mobility, and thermodynamic stability) indicates that this missense variant is not expected to disrupt GUCY2D protein function with a negative predictive value of 80%. In summary, the available evidence is currently insufficient to determine the role of this variant in disease. Therefore, it has been classified as a Variant of Uncertain Significance.

Blueprint Genetics
Classification: Uncertain significance. Last evaluated: 2021-03-12. Review status: criteria provided, single submitter. Criteria: ACMG Guidelines, 2015. Collection method: clinical testing. Allele origin: germline.